The following is an entry in ClinVar:

NM_001048174.2(MUTYH):c.699G>T (p.Gln233His)

Gene: MUTYH (mutY DNA glycosylase; minus strand). Cytogenetic location: 1p34.1.
Variant type: single nucleotide variant.
Coding change: c.699G>T on transcript NM_001048174.2 (MANE Select); coding-DNA position 699, G replaced by T.
Protein change: p.Gln233His; replaces glutamine 233 with histidine.
Molecular consequence: missense variant. On other transcripts: non-coding transcript variant (2).
Genome position (GRCh38, 1-based): chr1:45,332,396, C>A on the plus strand (G>T on the coding strand, the complement: MUTYH is on the minus strand). VCF-style: chr1-45332396-C-A. GRCh37 (hg19) VCF-style: chr1-45798068-C-A.
Other names: c.699G>T, p.Gln233His (NM_001048171.2, NM_001048173.2, NM_001293195.2); c.702G>T, p.Gln234His (NM_001048172.2); c.783G>T, p.Gln261His (NM_001128425.2); c.744G>T, p.Gln248His (NM_001293190.2); c.732G>T, p.Gln244His (NM_001293191.2); c.423G>T, p.Gln141His (NM_001293192.2, NM_001293196.2); c.354G>T, p.Gln118His (NM_001350650.2, NM_001350651.2); c.774G>T, p.Gln258His (NM_012222.3); short protein forms Q261H, Q141H, Q244H, Q248H, Q258H, Q233H, Q118H, Q234H.
Identifiers: ClinVar variation 631239 (VCV000631239.21), dbSNP rs765339120, ClinGen allele CA340134756.

ClinVar aggregate classification (germline): Conflicting classifications of pathogenicity. Review status: criteria provided, conflicting classifications (1 of 4 stars). 5 submissions from 5 submitters: Uncertain significance (4); Likely benign (1). Last evaluated 2025-03-23.

Conditions:
Hereditary cancer-predisposing syndrome. Also called: Neoplastic Syndromes, Hereditary; Hereditary Cancer Syndrome; Tumor predisposition; Hereditary neoplastic syndrome. Identifiers: Orphanet 140162, MedGen C0027672, MeSH D009386, MONDO:0015356.
Familial adenomatous polyposis 2. Also called: COLORECTAL ADENOMATOUS POLYPOSIS, AUTOSOMAL RECESSIVE; ADENOMAS, MULTIPLE COLORECTAL, AUTOSOMAL RECESSIVE; MUTYH-associated polyposis; MUTYH-related attenuated familial adenomatous polyposis; MUTYH Polyposis; Adenomas, multiple colorectal. Identifiers: Orphanet 220460, Orphanet 247798, MedGen C3272841, MONDO:0012041, OMIM 608456.

gnomAD v4.1: 1 of 1,614,158 alleles (0.000062%); highest among the groups gnomAD compares: Non-Finnish European, 0.000085%; no homozygotes.

Submissions (5):

Labcorp Genetics (formerly Invitae), Labcorp
Classification: Uncertain significance for Familial adenomatous polyposis 2. Last evaluated: 2025-03-23. Review status: criteria provided, single submitter. Criteria: Invitae Variant Classification Sherloc (09022015). Collection method: clinical testing. Allele origin: germline.
Comment: This sequence change replaces glutamine, which is neutral and polar, with histidine, which is basic and polar, at codon 261 of the MUTYH protein (p.Gln261His). This variant is not present in population databases (gnomAD no frequency). This variant has not been reported in the literature in individuals affected with MUTYH-related conditions. ClinVar contains an entry for this variant (Variation ID: 631239). An algorithm developed to predict the effect of missense changes on protein structure and function outputs the following: PolyPhen-2: "Benign". The histidine amino acid residue is found in multiple mammalian species, which suggests that this missense change does not adversely affect protein function. In summary, the available evidence is currently insufficient to determine the role of this variant in disease. Therefore, it has been classified as a Variant of Uncertain Significance.

Color Diagnostics, LLC DBA Color Health
Classification: Uncertain significance for Hereditary cancer-predisposing syndrome. Last evaluated: 2024-03-06. Review status: criteria provided, single submitter. Criteria: ACMG Guidelines, 2015. Collection method: clinical testing. Allele origin: germline.
Comment: This missense variant replaces glutamine with histidine at codon 261 of the MUTYH protein. Computational prediction suggests that this variant may not impact protein structure and function (internally defined REVEL score threshold <= 0.5, PMID: 27666373). To our knowledge, functional studies have not been reported for this variant. This variant has not been reported in individuals affected with MUTYH-related disorders in the literature. This variant has not been identified in the general population by the Genome Aggregation Database (gnomAD). The available evidence is insufficient to determine the role of this variant in disease conclusively. Therefore, this variant is classified as a Variant of Uncertain Significance.

All of Us Research Program, National Institutes of Health
Classification: Uncertain significance for Familial adenomatous polyposis 2. Last evaluated: 2023-08-08. Review status: criteria provided, single submitter. Criteria: ACMG Guidelines, 2015. Collection method: clinical testing. Allele origin: germline. Inheritance: Autosomal recessive inheritance. Observed: 1 variant allele, 1 heterozygote.
Comment: This missense variant replaces glutamine with histidine at codon 261 of the MUTYH protein. Computational prediction suggests that this variant may not impact protein structure and function (internally defined REVEL score threshold <= 0.5, PMID: 27666373). To our knowledge, functional studies have not been reported for this variant. This variant has not been reported in individuals affected with MUTYH-related disorders in the literature. This variant has not been identified in the general population by the Genome Aggregation Database (gnomAD). The available evidence is insufficient to determine the role of this variant in disease conclusively. Therefore, this variant is classified as a Variant of Uncertain Significance.

This study involves interpretation of variants in research participants for the purpose of population health screening. Participant phenotype was not available at the time of variant classification. Additional details can be found in publication PMID: 35346344, PMCID: PMC8962531

GeneDx
Classification: Uncertain significance. Last evaluated: 2023-08-03. Review status: criteria provided, single submitter. Criteria: GeneDx Variant Classification Process June 2021. Collection method: clinical testing. Allele origin: germline. Affected: yes.
Comment: Not observed at significant frequency in large population cohorts (gnomAD); In silico analysis supports that this missense variant does not alter protein structure/function; Has not been previously published as pathogenic or benign to our knowledge; This variant is associated with the following publications: (PMID: 23108399, 11801590, 11092888, 11160897)

Ambry Genetics
Classification: Likely benign for Hereditary cancer-predisposing syndrome. Last evaluated: 2019-03-29. Review status: criteria provided, single submitter. Criteria: Ambry Variant Classification Scheme 2023. Collection method: clinical testing. Allele origin: germline.